The following is an entry in ClinVar:

ClinVar aggregate classification (germline): Conflicting classifications of pathogenicity. Review status: criteria provided, conflicting classifications (1 of 4 stars). 3 submissions from 3 submitters: Likely pathogenic (2); Uncertain significance (1). Last evaluated 2026-10-19.

Conditions:
Hereditary cancer-predisposing syndrome. Also called: Hereditary neoplastic syndrome; Neoplastic Syndromes, Hereditary; Tumor predisposition; Hereditary Cancer Syndrome. Identifiers: Orphanet 140162, MedGen C0027672, MeSH D009386, MONDO:0015356.
Cardiovascular phenotype. Identifiers: MedGen CN230736.
Neurofibromatosis, type 1 (NF1). Also called: Peripheral type neurofibromatosis; Neurofibromatosis, type I; VON RECKLINGHAUSEN DISEASE; NEUROFIBROMATOSIS, TYPE I, SOMATIC. Identifiers: Orphanet 636, MedGen C0027831, MONDO:0018975, OMIM 162200. Disease mechanism: loss of function.

Submissions (3):

GeneDx
Classification: Likely pathogenic. Last evaluated: 2026-10-19. Review status: criteria provided, single submitter. Criteria: GeneDx Variant Classification Process June 2021. Collection method: clinical testing. Allele origin: germline.
Comment: Not observed at significant frequency in large population cohorts (gnomAD); In silico analysis supports that this missense variant has a deleterious effect on protein structure/function; Has not been previously published as pathogenic or benign to our knowledge; This variant is associated with the following publications: (PMID: 23656349, 2121369, 25486365)

Labcorp Genetics (formerly Invitae), Labcorp
Classification: Likely pathogenic for Neurofibromatosis, type 1. Last evaluated: 2025-04-21. Review status: criteria provided, single submitter. Criteria: Invitae Variant Classification Sherloc (09022015). Collection method: clinical testing. Allele origin: germline.
Comment: This sequence change replaces serine, which is neutral and polar, with arginine, which is basic and polar, at codon 1072 of the NF1 protein (p.Ser1072Arg). This variant is not present in population databases (gnomAD no frequency). This missense change has been observed in individual(s) with clinical features of neurofibromatosis type 1 (internal data). ClinVar contains an entry for this variant (Variation ID: 561506). Invitae Evidence Modeling of protein sequence and biophysical properties (such as structural, functional, and spatial information, amino acid conservation, physicochemical variation, residue mobility, and thermodynamic stability) indicates that this missense variant is expected to disrupt NF1 protein function with a positive predictive value of 95%. In summary, the currently available evidence indicates that the variant is pathogenic, but additional data are needed to prove that conclusively. Therefore, this variant has been classified as Likely Pathogenic.

Ambry Genetics
Classification: Uncertain significance for Cardiovascular phenotype; Hereditary cancer-predisposing syndrome. Last evaluated: 2023-01-03. Review status: criteria provided, single submitter. Criteria: Ambry Variant Classification Scheme 2023. Collection method: clinical testing. Allele origin: germline.
Comment: The p.S1072R variant (also known as c.3216C>G), located in coding exon 25 of the NF1 gene, results from a C to G substitution at nucleotide position 3216. The serine at codon 1072 is replaced by arginine, an amino acid with dissimilar properties. This amino acid position is highly conserved in available vertebrate species. In addition, the in silico prediction for this alteration is inconclusive. Since supporting evidence is limited at this time, the clinical significance of this alteration remains unclear.

NM_001042492.3(NF1):c.3216C>G (p.Ser1072Arg)

Gene: NF1 (neurofibromin 1; plus strand). Cytogenetic location: 17q11.2.
Variant type: single nucleotide variant.
Coding change: c.3216C>G on transcript NM_001042492.3 (MANE Select); coding-DNA position 3216, C replaced by G.
Protein change: p.Ser1072Arg; replaces serine 1072 with arginine.
Molecular consequence: missense variant.
Genome position (GRCh38, 1-based): chr17:31,232,091, C>G. VCF-style: chr17-31232091-C-G. GRCh37 (hg19) VCF-style: chr17-29559109-C-G.
Other names: c.3216C>G, p.Ser1072Arg (NM_000267.4); short protein forms S1072R.
Identifiers: ClinVar variation 561506 (VCV000561506.7), dbSNP rs1567850647, ClinGen allele CA398988637.